The following is an entry in ClinVar:

NM_018026.4(PACS1):c.1970T>C (p.Met657Thr)

Gene: PACS1 (phosphofurin acidic cluster sorting protein 1; plus strand). Cytogenetic location: 11q13.2.
Variant type: single nucleotide variant.
Coding change: c.1970T>C on transcript NM_018026.4 (MANE Select); coding-DNA position 1970, T replaced by C.
Protein change: p.Met657Thr; replaces methionine 657 with threonine.
Molecular consequence: missense variant.
Genome position (GRCh38, 1-based): chr11:66,233,916, T>C. VCF-style: chr11-66233916-T-C. GRCh37 (hg19) VCF-style: chr11-66001387-T-C.
Other names: c.1970T>C (NM_018026.3); short protein forms M657T.
Identifiers: ClinVar variation 3689862 (VCV003689862.3).

ClinVar aggregate classification (germline): Uncertain significance. Review status: criteria provided, multiple submitters, no conflicts (2 of 4 stars). 2 submissions from 2 submitters: Uncertain significance (2). Last evaluated 2025-06-05.

Conditions:
Schuurs-Hoeijmakers syndrome. Also called: PACS1-Related Neurodevelopmental Disorder. Identifiers: Orphanet 329224, MedGen C3554343, MONDO:0014006, OMIM 615009.

gnomAD v4.1: 3 of 1,581,638 alleles (0.00019%); highest among the groups gnomAD compares: African/African-American, 0.0013%; no homozygotes.

Submissions (2):

GeneDx
Classification: Uncertain significance. Last evaluated: 2025-06-05. Review status: criteria provided, single submitter. Criteria: GeneDx Variant Classification Process June 2021. Collection method: clinical testing. Allele origin: germline. Affected: yes.
Comment: Not observed at significant frequency in large population cohorts (gnomAD); In silico analysis supports that this missense variant has a deleterious effect on protein structure/function; Has not been previously published as pathogenic or benign to our knowledge

Labcorp Genetics (formerly Invitae), Labcorp
Classification: Uncertain significance for Schuurs-Hoeijmakers syndrome. Last evaluated: 2024-04-05. Review status: criteria provided, single submitter. Criteria: Invitae Variant Classification Sherloc (09022015). Collection method: clinical testing. Allele origin: germline.
Comment: This sequence change replaces methionine, which is neutral and non-polar, with threonine, which is neutral and polar, at codon 657 of the PACS1 protein (p.Met657Thr). This variant is not present in population databases (gnomAD no frequency). This variant has not been reported in the literature in individuals affected with PACS1-related conditions. Advanced modeling of protein sequence and biophysical properties (such as structural, functional, and spatial information, amino acid conservation, physicochemical variation, residue mobility, and thermodynamic stability) performed at Invitae indicates that this missense variant is not expected to disrupt PACS1 protein function with a negative predictive value of 80%. In summary, the available evidence is currently insufficient to determine the role of this variant in disease. Therefore, it has been classified as a Variant of Uncertain Significance.